The following is an entry in ClinVar:

ClinVar aggregate classification (germline): Uncertain significance. Review status: criteria provided, multiple submitters, no conflicts (2 of 4 stars). 3 submissions from 3 submitters: Uncertain significance (3). Last evaluated 2026-02-13.

Conditions:
Familial cancer of breast. Also called: BREAST CANCER, FAMILIAL; Hereditary breast cancer; hereditary breast carcinoma. Identifiers: Orphanet 227535, MedGen C0346153, MONDO:0016419, OMIM 114480. Disease mechanism: loss of function.
Hereditary cancer-predisposing syndrome. Also called: Neoplastic Syndromes, Hereditary; Tumor predisposition; Hereditary Cancer Syndrome; Hereditary neoplastic syndrome. Identifiers: Orphanet 140162, MedGen C0027672, MeSH D009386, MONDO:0015356.

Submissions (3):

Ambry Genetics
Classification: Uncertain significance for Hereditary cancer-predisposing syndrome. Last evaluated: 2026-02-13. Review status: criteria provided, single submitter. Criteria: Ambry Variant Classification Scheme 2023. Collection method: clinical testing. Allele origin: germline.
Comment: The p.G80R variant (also known as c.238G>A), located in coding exon 3 of the BARD1 gene, results from a G to A substitution at nucleotide position 238. The glycine at codon 80 is replaced by arginine, an amino acid with dissimilar properties. This amino acid position is conserved. In addition, the in silico prediction for this alteration is inconclusive. Based on the available evidence, the clinical significance of this variant remains unclear.

Color Diagnostics, LLC DBA Color Health
Classification: Uncertain significance for Hereditary cancer-predisposing syndrome. Last evaluated: 2024-03-07. Review status: criteria provided, single submitter. Criteria: ACMG Guidelines, 2015. Collection method: clinical testing. Allele origin: germline.
Comment: This missense variant replaces glycine with arginine at codon 80 of the BARD1 protein. Computational prediction is inconclusive regarding the impact of this variant on protein structure and function (internally defined REVEL score threshold 0.5 < inconclusive < 0.7, PMID: 27666373). To our knowledge, functional studies have not been reported for this variant. This variant has not been reported in individuals affected with hereditary cancer in the literature. This variant has not been identified in the general population by the Genome Aggregation Database (gnomAD). The available evidence is insufficient to determine the role of this variant in disease conclusively. Therefore, this variant is classified as a Variant of Uncertain Significance.

Labcorp Genetics (formerly Invitae), Labcorp
Classification: Uncertain significance for Familial cancer of breast. Last evaluated: 2023-12-31. Review status: criteria provided, single submitter. Criteria: Invitae Variant Classification Sherloc (09022015). Collection method: clinical testing. Allele origin: germline.
Comment: This sequence change replaces glycine, which is neutral and non-polar, with arginine, which is basic and polar, at codon 80 of the BARD1 protein (p.Gly80Arg). This variant is not present in population databases (gnomAD no frequency). This variant has not been reported in the literature in individuals affected with BARD1-related conditions. ClinVar contains an entry for this variant (Variation ID: 1967223). An algorithm developed to predict the effect of missense changes on protein structure and function (PolyPhen-2) suggests that this variant is likely to be disruptive. In summary, the available evidence is currently insufficient to determine the role of this variant in disease. Therefore, it has been classified as a Variant of Uncertain Significance.

NM_000465.4(BARD1):c.238G>A (p.Gly80Arg)

Gene: BARD1 (BRCA1 associated RING domain 1; minus strand). Cytogenetic location: 2q35.
Variant type: single nucleotide variant.
Coding change: c.238G>A on transcript NM_000465.4 (MANE Select); coding-DNA position 238, G replaced by A.
Protein change: p.Gly80Arg; replaces glycine 80 with arginine.
Molecular consequence: missense variant. On other transcripts: non-coding transcript variant (1), intron variant (2).
Genome position (GRCh38, 1-based): chr2:214,792,423, C>T on the plus strand (G>A on the coding strand, the complement: BARD1 is on the minus strand). VCF-style: chr2-214792423-C-T. GRCh37 (hg19) VCF-style: chr2-215657147-C-T.
Other names: c.181G>A, p.Gly61Arg (NM_001282543.2); c.238G>A, p.Gly80Arg (NM_001282549.2); c.158+16989G>A (NM_001282548.2); c.215+4638G>A (NM_001282545.2); c.238G>A (NM_000465.2); short protein forms G80R, G61R.
Identifiers: ClinVar variation 1967223 (VCV001967223.8), dbSNP rs2106135333, ClinGen allele CA350461266.